The following is an entry in ClinVar:

NM_002317.7(LOX):c.664A>G (p.Ile222Val)

Genes: LOX (lysyl oxidase; minus strand), SRFBP1 (serum response factor binding protein 1; plus strand). Cytogenetic location: 5q23.1.
Variant type: single nucleotide variant.
Coding change: c.664A>G on transcript NM_002317.7 (MANE Select); coding-DNA position 664, A replaced by G.
Protein change: p.Ile222Val; replaces isoleucine 222 with valine.
Molecular consequence: missense variant. On other transcripts: 5 prime UTR variant (1), intron variant (1).
Genome position (GRCh38, 1-based): chr5:122,076,969, T>C on the plus strand (A>G on the coding strand, the complement: LOX is on the minus strand). VCF-style: chr5-122076969-T-C. GRCh37 (hg19) VCF-style: chr5-121412664-T-C.
Other names: c.-27A>G (NM_001178102.2); c.-152+123A>G (NM_001317073.1); short protein forms I222V.
Identifiers: ClinVar variation 1676431 (VCV001676431.4), dbSNP rs2152590969, ClinGen allele CA360875142.

ClinVar aggregate classification (germline): Uncertain significance (1 of 4 stars; one submission).

Submission:

GeneDx
Classification: Uncertain significance. Last evaluated: 2024-10-08. Review status: criteria provided, single submitter. Criteria: GeneDx Variant Classification Process June 2021. Collection method: clinical testing. Allele origin: germline. Affected: yes.
Comment: Has not been previously published as pathogenic or benign to our knowledge; Not observed at significant frequency in large population cohorts (gnomAD); In silico analysis indicates that this missense variant does not alter protein structure/function